The following is an entry in ClinVar:

NM_001267550.2(TTN):c.71215G>T (p.Val23739Phe)

Genes: TTN (titin; minus strand), TTN-AS1 (TTN antisense RNA 1; plus strand). Cytogenetic location: 2q31.2.
Variant type: single nucleotide variant.
Coding change: c.71215G>T on transcript NM_001267550.2 (MANE Select); coding-DNA position 71215, G replaced by T.
Protein change: p.Val23739Phe; replaces valine 23739 with phenylalanine.
Molecular consequence: missense variant.
Genome position (GRCh38, 1-based): chr2:178,574,917, C>A on the plus strand (G>T on the coding strand, the complement: TTN is on the minus strand). VCF-style: chr2-178574917-C-A. GRCh37 (hg19) VCF-style: chr2-179439644-C-A.
Other names: c.66292G>T, p.Val22098Phe (NM_001256850.1); c.44020G>T, p.Val14674Phe (NM_003319.4); c.63511G>T, p.Val21171Phe (NM_133378.4); c.44395G>T, p.Val14799Phe (NM_133432.3); c.44596G>T, p.Val14866Phe (NM_133437.4); short protein forms V14674F, V14799F, V14866F, V21171F, V22098F, V23739F.
Identifiers: ClinVar variation 2437621 (VCV002437621.4), dbSNP rs374485278, ClinGen allele CA1990662.

ClinVar aggregate classification (germline): Uncertain significance. Review status: criteria provided, multiple submitters, no conflicts (2 of 4 stars). 2 submissions from 2 submitters: Uncertain significance (2). Last evaluated 2026-04-27.

Conditions:
TTN-related disorder. Also called: TTN-related condition; TTN-related disease; TTN-related disorders.

Allele frequency attached by ClinVar (database versions not stated): gnomAD exomes below 0.00001; ExAC 0.00001; gnomAD 0.00001; TOPMed 0.00001; ESP Exome Variant Server 0.00008.
gnomAD v4.1: 3 of 1,612,842 alleles (0.00019%); highest among the groups gnomAD compares: African/African-American, 0.004%; no homozygotes.

Submissions (2):

PreventionGenetics, part of Exact Sciences
Classification: Uncertain significance for TTN-related condition. Last evaluated: 2026-04-27. Review status: criteria provided, single submitter. Criteria: ACMG Guidelines, 2015. Collection method: clinical testing. Allele origin: germline.
Comment: The TTN c.71215G>T variant is predicted to result in the amino acid substitution p.Val23739Phe. To our knowledge, this variant has not been reported in the literature. This variant is reported in 0.0065% of alleles in individuals of African descent in gnomAD. At this time, the clinical significance of this variant is uncertain due to the absence of conclusive functional and genetic evidence.

Revvity Omics, Revvity
Classification: Uncertain significance. Last evaluated: 2019-05-20. Review status: criteria provided, single submitter. Criteria: ACMG Guidelines, 2015. Collection method: clinical testing. Allele origin: germline.